The following is an entry in ClinVar:

ClinVar aggregate classification (germline): Uncertain significance (1 of 4 stars; one submission).

Conditions:
Familial cancer of breast. Also called: Hereditary breast cancer; hereditary breast carcinoma; BREAST CANCER, FAMILIAL. Identifiers: Orphanet 227535, MedGen C0346153, MONDO:0016419, OMIM 114480. Disease mechanism: loss of function.
Fanconi anemia complementation group J. Also called: BRIP1-Related Fanconi Anemia. Identifiers: Orphanet 84, MedGen C1836860, MONDO:0012187, OMIM 609054.

Submission:

Labcorp Genetics (formerly Invitae), Labcorp
Classification: Uncertain significance for Familial cancer of breast; Fanconi anemia complementation group J. Last evaluated: 2025-10-24. Review status: criteria provided, single submitter. Criteria: Invitae Variant Classification Sherloc (09022015). Collection method: clinical testing. Allele origin: germline.
Comment: This sequence change replaces leucine, which is neutral and non-polar, with phenylalanine, which is neutral and non-polar, at codon 415 of the BRIP1 protein (p.Leu415Phe). This variant is not present in population databases (gnomAD no frequency). This variant has not been reported in the literature in individuals affected with BRIP1-related conditions. Invitae Evidence Modeling of protein sequence and biophysical properties (such as structural, functional, and spatial information, amino acid conservation, physicochemical variation, residue mobility, and thermodynamic stability) indicates that this missense variant is not expected to disrupt BRIP1 protein function with a negative predictive value of 95%. In summary, the available evidence is currently insufficient to determine the role of this variant in disease. Therefore, it has been classified as a Variant of Uncertain Significance.

NM_032043.3(BRIP1):c.1243C>T (p.Leu415Phe)

Gene: BRIP1 (BRCA1 interacting DNA helicase 1; minus strand). Cytogenetic location: 17q23.2.
Variant type: single nucleotide variant.
Coding change: c.1243C>T on transcript NM_032043.3 (MANE Select); coding-DNA position 1243, C replaced by T.
Protein change: p.Leu415Phe; replaces leucine 415 with phenylalanine.
Molecular consequence: missense variant.
Genome position (GRCh38, 1-based): chr17:61,799,197, G>A on the plus strand (C>T on the coding strand, the complement: BRIP1 is on the minus strand). VCF-style: chr17-61799197-G-A. GRCh37 (hg19) VCF-style: chr17-59876558-G-A.
Other names: short protein forms L415F.
Identifiers: ClinVar variation 4794639 (VCV004794639.1).